The following is an entry in ClinVar:

ClinVar aggregate classification (germline): Uncertain significance (1 of 4 stars; one submission).

Conditions:
Cystic fibrosis (CF). Also called: MUCOVISCIDOSIS. Identifiers: Orphanet 586, MedGen C0010674, MONDO:0009061, OMIM 219700. Disease mechanism: loss of function.

Submission:

Ambry Genetics
Classification: Uncertain significance for Cystic fibrosis. Last evaluated: 2021-12-08. Review status: criteria provided, single submitter. Criteria: Ambry Variant Classification Scheme 2023. Collection method: clinical testing. Allele origin: germline.
Comment: The p.N1195K variant (also known as c.3585T>A), located in coding exon 22 of the CFTR gene, results from a T to A substitution at nucleotide position 3585. The asparagine at codon 1195 is replaced by lysine, an amino acid with similar properties. This amino acid position is conserved. In addition, the in silico prediction for this alteration is inconclusive. Since supporting evidence is limited at this time, the clinical significance of this alteration remains unclear.

NM_000492.4(CFTR):c.3585T>A (p.Asn1195Lys)

Genes: CFTR (CF transmembrane conductance regulator; plus strand), CFTR-AS2 (CFTR antisense RNA 2; minus strand). Cytogenetic location: 7q31.2.
Variant type: single nucleotide variant.
Coding change: c.3585T>A on transcript NM_000492.4 (MANE Select); coding-DNA position 3585, T replaced by A.
Protein change: p.Asn1195Lys; replaces asparagine 1195 with lysine.
Molecular consequence: missense variant.
Genome position (GRCh38, 1-based): chr7:117,627,638, T>A. VCF-style: chr7-117627638-T-A. GRCh37 (hg19) VCF-style: chr7-117267692-T-A.
Other names: short protein forms N1195K.
Identifiers: ClinVar variation 1732939 (VCV001732939.2), dbSNP rs2485146337, ClinGen allele CA368997055.
Genomic context (GRCh38, chr7:117,627,638, plus strand): 5'-TACCAAGTCAACCAAACCATACAAGAATGGCCAACTCTCGAAAGTTATGATTATTGAGAA[T>A]TCACACGTGAAGAAAGATGACATCTGGCCCTCAGGGGGCCAAATGACTGTCAAAGATCTC-3'
Protein context (NP_000483.3, residues 1185-1205): GQLSKVMIIE[Asn1195Lys]SHVKKDDIWP